The following is an entry in ClinVar:

ClinVar aggregate classification (germline): Pathogenic (1 of 4 stars; one submission).

Conditions:
Charcot-Marie-Tooth disease type 2. Also called: Charcot-Marie-Tooth type 2. Identifiers: Orphanet 64746, MedGen C0270914, MONDO:0018993.

Submission:

Labcorp Genetics (formerly Invitae), Labcorp
Classification: Pathogenic for Charcot-Marie-Tooth disease type 2. Last evaluated: 2023-09-01. Review status: criteria provided, single submitter. Criteria: Invitae Variant Classification Sherloc (09022015). Collection method: clinical testing. Allele origin: unknown.
Comment: For these reasons, this variant has been classified as Pathogenic. This variant has not been reported in the literature in individuals affected with MFN2-related conditions. This variant is a gross deletion of the genomic region encompassing exon(s) 3-8 of the MFN2 gene, which includes the initiator codon. This deletion extends beyond the assayed region for this gene and therefore may encompass additional genes. It is expected to result in an absent or disrupted protein product. Loss-of-function variants in MFN2 are known to be pathogenic (PMID: 16714318, 16835246, 21715711, 23781337, 26955893).

Literature cited by the submitters: PubMed 16714318; PubMed 16835246; PubMed 21715711; PubMed 23781337; PubMed 26955893.

NC_000001.10:g.(?_12049226)_(12059172_?)del

Gene: MFN2 (mitofusin 2; plus strand). Cytogenetic location: 1p36.22.
Variant type: Deletion.
Identifiers: ClinVar variation 3247855 (VCV003247855.1).